The following is an entry in ClinVar:

ClinVar aggregate classification (germline): Uncertain significance. Review status: criteria provided, multiple submitters, no conflicts (2 of 4 stars). 2 submissions from 2 submitters: Uncertain significance (2). Last evaluated 2024-11-22.

Conditions:
Inborn genetic diseases. Identifiers: MedGen C0950123, MeSH D030342.
Fanconi anemia (FA). Also called: Fanconi's anemia. Identifiers: Orphanet 84, MedGen C0015625, MeSH D005199, MONDO:0019391.

Allele frequency attached by ClinVar (database versions not stated): gnomAD exomes 0.00001 and below 0.00001; ExAC 0.00001; TOPMed 0.00007; gnomAD 0.00007.
gnomAD v4.1: 16 of 1,614,060 alleles (0.00099%); highest among the groups gnomAD compares: African/African-American, 0.017%; no homozygotes.

Submissions (2):

Ambry Genetics
Classification: Uncertain significance for Inborn genetic diseases. Last evaluated: 2024-11-22. Review status: criteria provided, single submitter. Criteria: Ambry Variant Classification Scheme 2023. Collection method: clinical testing. Allele origin: germline.
Comment: The p.E47G variant (also known as c.140A>G), located in coding exon 1 of the FANCM gene, results from an A to G substitution at nucleotide position 140. The glutamic acid at codon 47 is replaced by glycine, an amino acid with similar properties. This amino acid position is conserved. In addition, this alteration is predicted to be tolerated by in silico analysis. Based on the available evidence, the clinical significance of this variant remains unclear.

Labcorp Genetics (formerly Invitae), Labcorp
Classification: Uncertain significance for Fanconi anemia. Last evaluated: 2023-03-10. Review status: criteria provided, single submitter. Criteria: Invitae Variant Classification Sherloc (09022015). Collection method: clinical testing. Allele origin: germline.
Comment: This variant is present in population databases (rs756402229, gnomAD 0.01%). This sequence change replaces glutamic acid, which is acidic and polar, with glycine, which is neutral and non-polar, at codon 47 of the FANCM protein (p.Glu47Gly). This variant has not been reported in the literature in individuals affected with FANCM-related conditions. In summary, the available evidence is currently insufficient to determine the role of this variant in disease. Therefore, it has been classified as a Variant of Uncertain Significance. An algorithm developed to predict the effect of missense changes on protein structure and function (PolyPhen-2) suggests that this variant is likely to be tolerated. ClinVar contains an entry for this variant (Variation ID: 843080).

NM_020937.4(FANCM):c.140A>G (p.Glu47Gly)

Gene: FANCM (FA complementation group M; plus strand). Cytogenetic location: 14q21.2.
Variant type: single nucleotide variant.
Coding change: c.140A>G on transcript NM_020937.4 (MANE Select); coding-DNA position 140, A replaced by G.
Protein change: p.Glu47Gly; replaces glutamic acid 47 with glycine.
Molecular consequence: missense variant.
Genome position (GRCh38, 1-based): chr14:45,136,171, A>G. VCF-style: chr14-45136171-A-G. GRCh37 (hg19) VCF-style: chr14-45605374-A-G.
Other names: c.140A>G, p.Glu47Gly (NM_001308133.2, NM_001308134.2); short protein forms E47G.
Identifiers: ClinVar variation 843080 (VCV000843080.10), dbSNP rs756402229, ClinGen allele CA7168706.